The following is an entry in ClinVar:

ClinVar aggregate classification (germline): Uncertain significance. Review status: criteria provided, multiple submitters, no conflicts (2 of 4 stars). 2 submissions from 2 submitters: Uncertain significance (2). Last evaluated 2025-08-13.

Conditions:
Hereditary cancer-predisposing syndrome. Also called: Neoplastic Syndromes, Hereditary; Tumor predisposition; Hereditary neoplastic syndrome; Hereditary Cancer Syndrome. Identifiers: Orphanet 140162, MedGen C0027672, MeSH D009386, MONDO:0015356.
Breast-ovarian cancer, familial, susceptibility to, 4. Identifiers: Orphanet 145, MedGen C3280345, MONDO:0013669, OMIM 614291.

Submissions (2):

Labcorp Genetics (formerly Invitae), Labcorp
Classification: Uncertain significance for Breast-ovarian cancer, familial, susceptibility to, 4. Last evaluated: 2025-08-13. Review status: criteria provided, single submitter. Criteria: Invitae Variant Classification Sherloc (09022015). Collection method: clinical testing. Allele origin: germline.
Comment: This sequence change replaces glycine, which is neutral and non-polar, with serine, which is neutral and polar, at codon 288 of the RAD51D protein (p.Gly288Ser). This variant is not present in population databases (gnomAD no frequency). This variant has not been reported in the literature in individuals affected with RAD51D-related conditions. ClinVar contains an entry for this variant (Variation ID: 3015738). Invitae Evidence Modeling of protein sequence and biophysical properties (such as structural, functional, and spatial information, amino acid conservation, physicochemical variation, residue mobility, and thermodynamic stability) indicates that this missense variant is not expected to disrupt RAD51D protein function with a negative predictive value of 80%. In summary, the available evidence is currently insufficient to determine the role of this variant in disease. Therefore, it has been classified as a Variant of Uncertain Significance.

Ambry Genetics
Classification: Uncertain significance for Hereditary cancer-predisposing syndrome. Last evaluated: 2023-12-29. Review status: criteria provided, single submitter. Criteria: Ambry Variant Classification Scheme 2023. Collection method: clinical testing. Allele origin: germline.
Comment: The p.G288S variant (also known as c.862G>A), located in coding exon 9 of the RAD51D gene, results from a G to A substitution at nucleotide position 862. The glycine at codon 288 is replaced by serine, an amino acid with similar properties. This amino acid position is conserved. In addition, this alteration is predicted to be tolerated by in silico analysis. Since supporting evidence is limited at this time, the clinical significance of this alteration remains unclear.

NM_002878.4(RAD51D):c.862G>A (p.Gly288Ser)

Genes: RAD51L3-RFFL (RAD51L3-RFFL readthrough; minus strand), RAD51D (RAD51 paralog D; minus strand). Cytogenetic location: 17q12.
Variant type: single nucleotide variant.
Coding change: c.862G>A on transcript NM_002878.4 (MANE Select); coding-DNA position 862, G replaced by A.
Protein change: p.Gly288Ser; replaces glycine 288 with serine.
Molecular consequence: missense variant. On other transcripts: non-coding transcript variant (3).
Genome position (GRCh38, 1-based): chr17:35,101,242, C>T on the plus strand (G>A on the coding strand, the complement: RAD51D is on the minus strand). VCF-style: chr17-35101242-C-T. GRCh37 (hg19) VCF-style: chr17-33428261-C-T.
Other names: c.922G>A, p.Gly308Ser (NM_001142571.2); c.526G>A, p.Gly176Ser (NM_133629.3); short protein forms G288S, G176S, G308S.
Identifiers: ClinVar variation 3015738 (VCV003015738.4), dbSNP rs1391505912, ClinGen allele CA399086489.